The following is an entry in ClinVar:

NM_000283.4(PDE6B):c.293G>A (p.Arg98His)

Gene: PDE6B (phosphodiesterase 6B; plus strand). Cytogenetic location: 4p16.3.
Variant type: single nucleotide variant.
Coding change: c.293G>A on transcript NM_000283.4 (MANE Select); coding-DNA position 293, G replaced by A.
Protein change: p.Arg98His; replaces arginine 98 with histidine.
Molecular consequence: missense variant.
Genome position (GRCh38, 1-based): chr4:625,919, G>A. VCF-style: chr4-625919-G-A. GRCh37 (hg19) VCF-style: chr4-619708-G-A.
Other names: c.293G>A, p.Arg98His (NM_001145291.2); short protein forms R98H.
Identifiers: ClinVar variation 636061 (VCV000636061.9), dbSNP rs776050413, ClinGen allele CA2793900.
Genomic context (GRCh38, chr4:625,919, plus strand): 5'-AGGTCCTGCGGCGCCTCTGCACCCTCCTGCAGGCCGACCGCTGCAGCCTCTTCATGTACC[G>A]CCAGCGCAACGGCGTGGCCGAGCTGGCCACCAGGCTTTTCAGCGTGCAGCCGGACAGCGT-3'
Protein context (NP_000274.3, residues 88-108): QADRCSLFMY[Arg98His]QRNGVAELAT

ClinVar aggregate classification (germline): Uncertain significance. Review status: criteria provided, multiple submitters, no conflicts (2 of 4 stars). 4 submissions from 4 submitters: Uncertain significance (3). 1 of the submissions does not count toward it. Last evaluated 2025-02-28.

Conditions:
Congenital stationary night blindness. Also called: Early-onset non-progressive night blindness. Identifiers: Orphanet 215, MedGen C0339535, MONDO:0016293, HP:0007642.
PDE6B-related disorder. Also called: PDE6B-related disease; PDE6B-related condition; PDE6B-related disorders.

Allele frequency attached by ClinVar (database versions not stated): gnomAD 0.00001 and 0.00002; gnomAD exomes 0.00001 and 0.00003; TOPMed 0.00001; ExAC 0.00002.
gnomAD v4.1: 17 of 1,600,290 alleles (0.0011%); highest among the groups gnomAD compares: Middle Eastern, 0.033%; no homozygotes.

Submissions (4):

PreventionGenetics, part of Exact Sciences
Classification: Uncertain significance for PDE6B-related condition. Last evaluated: 2025-02-28. Review status: criteria provided, single submitter. Criteria: ACMG Guidelines, 2015. Collection method: clinical testing. Allele origin: germline.
Comment: The PDE6B c.293G>A variant is predicted to result in the amino acid substitution p.Arg98His. This variant has been reported in the heterozygous state in an individual with retinal disease (Table S4, Jespersgaard et al. 2019. PubMed ID: 30718709). This variant is present in 0.011% of alleles in individuals of South Asian descent in gnomAD. At this time, the clinical significance of this variant is uncertain due to the absence of conclusive functional and genetic evidence.

Labcorp Genetics (formerly Invitae), Labcorp
Classification: Uncertain significance. Last evaluated: 2024-04-16. Review status: criteria provided, single submitter. Criteria: Invitae Variant Classification Sherloc (09022015). Collection method: clinical testing. Allele origin: germline.
Comment: This sequence change replaces arginine, which is basic and polar, with histidine, which is basic and polar, at codon 98 of the PDE6B protein (p.Arg98His). The frequency data for this variant in the population databases is considered unreliable, as metrics indicate poor data quality at this position in the gnomAD database. This missense change has been observed in individual(s) with autosomal dominant congenital stationary night blindness (PMID: 30718709). ClinVar contains an entry for this variant (Variation ID: 636061). Advanced modeling of protein sequence and biophysical properties (such as structural, functional, and spatial information, amino acid conservation, physicochemical variation, residue mobility, and thermodynamic stability) has been performed at Invitae for this missense variant, however the output from this modeling did not meet the statistical confidence thresholds required to predict the impact of this variant on PDE6B protein function. In summary, the available evidence is currently insufficient to determine the role of this variant in disease. Therefore, it has been classified as a Variant of Uncertain Significance.

Blueprint Genetics
Classification: Uncertain significance. Last evaluated: 2024-04-05. Review status: criteria provided, single submitter. Criteria: ACMG Guidelines, 2015. Collection method: clinical testing. Allele origin: germline.

Department of Clinical Genetics, Copenhagen University Hospital, Rigshospitalet
Classification: Likely pathogenic for Congenital stationary night blindness. Last evaluated: 2018-04-01. Review status: no assertion criteria provided. Collection method: research. Allele origin: unknown. Affected: yes. Study: VeluxRD. Not counted in ClinVar's aggregate classification.

Literature cited by the submitters: PubMed 30718709 (cited by Labcorp Genetics (formerly Invitae), Labcorp and Department of Clinical Genetics, Copenhagen University Hospital, Rigshospitalet).